The following is an entry in ClinVar:

ClinVar aggregate classification (germline): Uncertain significance (1 of 4 stars; one submission).

Conditions:
Malignant hyperthermia, susceptibility to, 1 (MHS1). Also called: Anesthesia related hyperthermia; Malignant hyperpyrexia; Fulminating hyperpyrexia; Pharmacogenic myopathy; Malignant hyperthermia suceptibility 1; RYR1-Related Malignant Hyperthermia Susceptibility. Identifiers: Orphanet 423, MedGen C2930980, MONDO:0007783, OMIM 145600.

Submission:

All of Us Research Program, National Institutes of Health
Classification: Uncertain significance for Malignant hyperthermia, susceptibility to, 1. Last evaluated: 2024-04-10. Review status: criteria provided, single submitter. Criteria: ACMG Guidelines, 2015. Collection method: clinical testing. Allele origin: germline. Inheritance: Autosomal dominant inheritance. Observed: 1 variant allele, 1 heterozygote.
Comment: This study involves interpretation of variants in research participants for the purpose of population health screening. Participant phenotype was not available at the time of variant classification. Additional details can be found in publication PMID: 35346344, PMCID: PMC8962531

NM_000540.3(RYR1):c.13514+6_13514+21dup

Gene: RYR1 (ryanodine receptor 1; plus strand). Cytogenetic location: 19q13.2.
Variant type: Duplication.
Coding change: c.13514+6_13514+21dup on transcript NM_000540.3 (MANE Select); bases 6 to 21 of the intron after coding-DNA position 13514, 16 bases duplicated (TGGCCTTGGGGCTGAG).
Molecular consequence: splice donor variant.
Genome position (GRCh38, 1-based): chr19:38,566,993-38,567,008, TGGCCTTGGGGCTGAG duplicated; duplicating any 16 consecutive bases within chr19:38,566,989-38,567,008 gives the same sequence; the c. name uses the placement nearest the transcript's 3' end. VCF-style (leftmost placement, unchanged base first): chr19-38566988-G-GTGAGTGGCCTTGGGGC. GRCh37 (hg19) VCF-style: chr19-39057628-G-GTGAGTGGCCTTGGGGC.
Other names: c.13499+6_13499+21dup (NM_001042723.2).
Identifiers: ClinVar variation 3385599 (VCV003385599.1).